The following is an entry in ClinVar:

NM_000878.5(IL2RB):c.1216C>G (p.Gln406Glu)

Gene: IL2RB (interleukin 2 receptor subunit beta; minus strand). Cytogenetic location: 22q12.3.
Variant type: single nucleotide variant.
Coding change: c.1216C>G on transcript NM_000878.5 (MANE Select); coding-DNA position 1216, C replaced by G.
Protein change: p.Gln406Glu; replaces glutamine 406 with glutamic acid.
Molecular consequence: missense variant.
Genome position (GRCh38, 1-based): chr22:37,128,536, G>C on the plus strand (C>G on the coding strand, the complement: IL2RB is on the minus strand). VCF-style: chr22-37128536-G-C. GRCh37 (hg19) VCF-style: chr22-37524576-G-C.
Other names: c.1216C>G, p.Gln406Glu (NM_001346223.2, NM_001346222.1); short protein forms Q406E.
Identifiers: ClinVar variation 1721177 (VCV001721177.5), dbSNP rs2517832966, ClinGen allele CA411424988.

ClinVar aggregate classification (germline): Uncertain significance (1 of 4 stars; one submission).

Submission:

Labcorp Genetics (formerly Invitae), Labcorp
Classification: Uncertain significance. Last evaluated: 2022-10-07. Review status: criteria provided, single submitter. Criteria: Invitae Variant Classification Sherloc (09022015). Collection method: clinical testing. Allele origin: germline.
Comment: This variant is not present in population databases (gnomAD no frequency). This sequence change replaces glutamine, which is neutral and polar, with glutamic acid, which is acidic and polar, at codon 406 of the IL2RB protein (p.Gln406Glu). In summary, the available evidence is currently insufficient to determine the role of this variant in disease. Therefore, it has been classified as a Variant of Uncertain Significance. Algorithms developed to predict the effect of missense changes on protein structure and function (SIFT, PolyPhen-2, Align-GVGD) all suggest that this variant is likely to be tolerated. This variant has not been reported in the literature in individuals affected with IL2RB-related conditions.